The following is an entry in ClinVar:

ClinVar aggregate classification (germline): Uncertain significance (1 of 4 stars; one submission).

Submission:

Labcorp Genetics (formerly Invitae), Labcorp
Classification: Uncertain significance. Last evaluated: 2022-12-10. Review status: criteria provided, single submitter. Criteria: Invitae Variant Classification Sherloc (09022015). Collection method: clinical testing. Allele origin: germline.
Comment: In summary, the available evidence is currently insufficient to determine the role of this variant in disease. Therefore, it has been classified as a Variant of Uncertain Significance. Algorithms developed to predict the effect of missense changes on protein structure and function are either unavailable or do not agree on the potential impact of this missense change (SIFT: "Tolerated"; PolyPhen-2: "Possibly Damaging"; Align-GVGD: "Class C0"). This variant has not been reported in the literature in individuals affected with SHROOM4-related conditions. This variant is not present in population databases (gnomAD no frequency). This sequence change replaces glutamine, which is neutral and polar, with glutamic acid, which is acidic and polar, at codon 580 of the SHROOM4 protein (p.Gln580Glu).

NM_020717.5(SHROOM4):c.1738C>G (p.Gln580Glu)

Gene: SHROOM4 (shroom family member 4; minus strand). Cytogenetic location: Xp11.22.
Variant type: single nucleotide variant.
Coding change: c.1738C>G on transcript NM_020717.5 (MANE Select); coding-DNA position 1738, C replaced by G.
Protein change: p.Gln580Glu; replaces glutamine 580 with glutamic acid.
Molecular consequence: missense variant. On other transcripts: non-coding transcript variant (4).
Genome position (GRCh38, 1-based): chrX:50,634,335, G>C on the plus strand (C>G on the coding strand, the complement: SHROOM4 is on the minus strand). VCF-style: chrX-50634335-G-C. GRCh37 (hg19) VCF-style: chrX-50377335-G-C.
Other names: short protein forms Q580E.
Identifiers: ClinVar variation 2819799 (VCV002819799.3), dbSNP rs2519339079, ClinGen allele CA413119544.
Genomic context (GRCh38, chrX:50,634,335, plus strand): 5'-TCCTCCTCTGAATTTCATTACGCAGATTGGTAGCAAAACGCTCACTCTTCCGCCGGTTTT[G>C]GATCGAGCGGCCCCGGGTCCCTCCACTTCGCCTACCACCCATCCGGCTGCACTCCTTGGG-3'
Protein context (NP_065768.2, residues 570-590): RSGGTRGRSI[Gln580Glu]NRRKSERFAT